The following is an entry in ClinVar:

NM_000334.4(SCN4A):c.4485C>G (p.Ile1495Met)

Genes: GH-LCR (growth hormone locus control region; plus strand), SCN4A (sodium voltage-gated channel alpha subunit 4; minus strand). Cytogenetic location: 17q23.3.
Variant type: single nucleotide variant.
Coding change: c.4485C>G on transcript NM_000334.4 (MANE Select); coding-DNA position 4485, C replaced by G.
Protein change: p.Ile1495Met; replaces isoleucine 1495 with methionine.
Molecular consequence: missense variant.
Genome position (GRCh38, 1-based): chr17:63,941,797, G>C on the plus strand (C>G on the coding strand, the complement: SCN4A is on the minus strand). VCF-style: chr17-63941797-G-C. GRCh37 (hg19) VCF-style: chr17-62019157-G-C.
Other names: short protein forms I1495M.
Identifiers: ClinVar variation 2852590 (VCV002852590.3), dbSNP rs1237627376, ClinGen allele CA400615924.

ClinVar aggregate classification (germline): Uncertain significance (1 of 4 stars; one submission).

Conditions:
Hyperkalemic periodic paralysis. Also called: Familial hyperkalemic periodic paralysis; Gamstorp disease. Identifiers: Orphanet 682, MedGen C0238357, MONDO:0008224, OMIM 170500, HP:0007215.

Allele frequency attached by ClinVar (database versions not stated): gnomAD exomes below 0.00001.

Submission:

Labcorp Genetics (formerly Invitae), Labcorp
Classification: Uncertain significance for Hyperkalemic periodic paralysis. Last evaluated: 2023-06-09. Review status: criteria provided, single submitter. Criteria: Invitae Variant Classification Sherloc (09022015). Collection method: clinical testing. Allele origin: germline.
Comment: In summary, the available evidence is currently insufficient to determine the role of this variant in disease. Therefore, it has been classified as a Variant of Uncertain Significance. This variant disrupts the p.Ile1495 amino acid residue in SCN4A. Other variant(s) that disrupt this residue have been determined to be pathogenic (PMID: 23884711; Invitae). This suggests that this residue is clinically significant, and that variants that disrupt this residue are likely to be disease-causing. Advanced modeling of protein sequence and biophysical properties (such as structural, functional, and spatial information, amino acid conservation, physicochemical variation, residue mobility, and thermodynamic stability) has been performed at Invitae for this missense variant, however the output from this modeling did not meet the statistical confidence thresholds required to predict the impact of this variant on SCN4A protein function. This variant has not been reported in the literature in individuals affected with SCN4A-related conditions. This variant is present in population databases (no rsID available, gnomAD 0.01%). This sequence change replaces isoleucine, which is neutral and non-polar, with methionine, which is neutral and non-polar, at codon 1495 of the SCN4A protein (p.Ile1495Met).

Literature cited by the submitters: PubMed 23884711.